The following is an entry in ClinVar:

NM_006885.4(ZFHX3):c.10557_10577del (p.Gly3521_Gly3527del)

Genes: ZFHX3 (zinc finger homeobox 3; minus strand), ZFHX3-AS1 (ZFHX3 antisense RNA 1; plus strand). Cytogenetic location: 16q22.2.
Variant type: Deletion.
Coding change: c.10557_10577del on transcript NM_006885.4 (MANE Select); coding-DNA positions 10557 to 10577, 21 bases deleted (TGGCGGCGGCGGCGGCGGCGG).
Protein change: p.Gly3521_Gly3527del.
Genome position (GRCh38, 1-based): chr16:72,787,699-72,787,719, CCGCCGCCGCCGCCGCCGCCA deleted on the plus strand (TGGCGGCGGCGGCGGCGGCGG on the coding strand, the reverse complement: ZFHX3 is on the minus strand); deleting any 21 consecutive bases within chr16:72,787,699-72,787,736 gives the same sequence; the c. name uses the placement nearest the transcript's 3' end. VCF-style (leftmost placement, unchanged base first): chr16-72787698-GCCGCCGCCGCCGCCGCCGCCA-G. GRCh37 (hg19) VCF-style: chr16-72821597-GCCGCCGCCGCCGCCGCCGCCA-G.
Other names: c.7815_7835del, p.Gly2607_Gly2613del (NM_001164766.2); c.10557_10577del, p.Gly3521_Gly3527del (NM_001386735.1).
Identifiers: ClinVar variation 3777884 (VCV003777884.7).

ClinVar aggregate classification (germline): Likely benign (1 of 4 stars; one submission).

Submission:

CeGaT Center for Human Genetics Tuebingen
Classification: Likely benign. Last evaluated: 2026-04-01. Review status: criteria provided, single submitter. Criteria: CeGaT Center For Human Genetics Tuebingen Variant Classification Criteria Version 2. Collection method: clinical testing. Allele origin: germline. Affected: yes. Observed: 3 variant alleles.
Comment: ZFHX3: BS2